The following is an entry in ClinVar:

NM_014055.4(IFT81):c.87G>C (p.Leu29Phe)

Gene: IFT81 (intraflagellar transport 81; plus strand). Cytogenetic location: 12q24.11.
Variant type: single nucleotide variant.
Coding change: c.87G>C on transcript NM_014055.4 (MANE Select); coding-DNA position 87, G replaced by C.
Protein change: p.Leu29Phe; replaces leucine 29 with phenylalanine.
Molecular consequence: missense variant. On other transcripts: 5 prime UTR variant (2), non-coding transcript variant (4).
Genome position (GRCh38, 1-based): chr12:110,127,467, G>C. VCF-style: chr12-110127467-G-C. GRCh37 (hg19) VCF-style: chr12-110565272-G-C.
Other names: c.87G>C, p.Leu29Phe (NM_001143779.2, NM_001347946.2, NM_031473.4); c.-680G>C (NM_001347947.2, NM_001347948.2); short protein forms L29F.
Identifiers: ClinVar variation 495122 (VCV000495122.7), dbSNP rs751222088, ClinGen allele CA6782986.

ClinVar aggregate classification (germline): Pathogenic/Likely pathogenic. Review status: criteria provided, multiple submitters, no conflicts (2 of 4 stars). 4 submissions from 4 submitters: Pathogenic (1); Likely pathogenic (2). 1 of the submissions does not count toward it. Last evaluated 2025-04-16.

Conditions:
Short-rib thoracic dysplasia 19 with or without polydactyly. Identifiers: MedGen C4693524, MONDO:0033485, OMIM 617895.
SHORT-RIB THORACIC DYSPLASIA 19 WITHOUT POLYDACTYLY.
IFT81-related disorders.

Allele frequency attached by ClinVar (database versions not stated): gnomAD 0.00003 and 0.00004; gnomAD exomes 0.00004 and 0.00015; ExAC 0.00005; TOPMed 0.00005.
gnomAD v4.1: 221 of 1,610,172 alleles (0.014%); highest among the groups gnomAD compares: Non-Finnish European, 0.018%; no homozygotes.

Submissions (4):

Labcorp Genetics (formerly Invitae), Labcorp
Classification: Pathogenic. Last evaluated: 2025-04-16. Review status: criteria provided, single submitter. Criteria: Invitae Variant Classification Sherloc (09022015). Collection method: clinical testing. Allele origin: germline.
Comment: This sequence change replaces leucine, which is neutral and non-polar, with phenylalanine, which is neutral and non-polar, at codon 29 of the IFT81 protein (p.Leu29Phe). This variant is present in population databases (rs751222088, gnomAD 0.007%). This missense change has been observed in individual(s) with clinical features of short-rib polydactyly syndrome and/or clinical features of short-rib thoracic dystrophy (PMID: 27666822; internal data). In at least one individual the data is consistent with being in trans (on the opposite chromosome) from a pathogenic variant. ClinVar contains an entry for this variant (Variation ID: 495122). Invitae Evidence Modeling of protein sequence and biophysical properties (such as structural, functional, and spatial information, amino acid conservation, physicochemical variation, residue mobility, and thermodynamic stability) indicates that this missense variant is expected to disrupt IFT81 protein function with a positive predictive value of 80%. Studies have shown that this missense change alters IFT81 gene expression (PMID: 27666822). For these reasons, this variant has been classified as Pathogenic.

Blueprint Genetics
Classification: Likely pathogenic for IFT81-related disorders. Last evaluated: 2024-10-15. Review status: criteria provided, single submitter. Criteria: ACMG Guidelines, 2015. Collection method: clinical testing. Allele origin: germline. Affected: yes. Observed: 5 variant alleles.

SIB Swiss Institute of Bioinformatics
Classification: Likely pathogenic for Short-rib thoracic dysplasia 19 with or without polydactyly. Last evaluated: 2018-10-15. Review status: criteria provided, single submitter. Criteria: ACMG Guidelines, 2015. Collection method: curation. Allele origin: germline.
Comment: This variant is interpreted as Likely Pathogenic, for Short-rib thoracic dysplasia 19 with or without polydactyly, autosomal recessive. The following ACMG Tag(s) were applied: PM2 => Absent from controls (or at extremely low frequency if recessive) in Exome Sequencing Project, 1000 Genomes Project, or Exome Aggregation Consortium. PP3 => Multiple lines of computational evidence support a deleterious effect on the gene or gene product. PM3-Supporting => PM3 downgraded in strength to Supporting (PubMed 27666822). PS3 => Well-established functional studies show a deleterious effect (PubMed 27666822).

OMIM
Classification: Pathogenic for SHORT-RIB THORACIC DYSPLASIA 19 WITHOUT POLYDACTYLY. Last evaluated: 2018-02-28. Review status: no assertion criteria provided. Collection method: literature only. Allele origin: germline. Not counted in ClinVar's aggregate classification.

Literature cited by the submitters: PubMed 27666822 (cited by 3 submitters).